The following is an entry in ClinVar:

ClinVar aggregate classification (germline): Uncertain significance (1 of 4 stars; one submission).

Submission:

GeneDx
Classification: Uncertain significance. Last evaluated: 2022-04-12. Review status: criteria provided, single submitter. Criteria: GeneDx Variant Classification Process June 2021. Collection method: clinical testing. Allele origin: germline. Affected: yes.
Comment: Not observed at significant frequency in large population cohorts (gnomAD); In silico analysis supports that this missense variant does not alter protein structure/function; Has not been previously published as pathogenic or benign to our knowledge

NM_005585.5(SMAD6):c.955G>A (p.Ala319Thr)

Gene: SMAD6 (SMAD family member 6; plus strand). Cytogenetic location: 15q22.31.
Variant type: single nucleotide variant.
Coding change: c.955G>A on transcript NM_005585.5 (MANE Select); coding-DNA position 955, G replaced by A.
Protein change: p.Ala319Thr; replaces alanine 319 with threonine.
Molecular consequence: missense variant. On other transcripts: non-coding transcript variant (1).
Genome position (GRCh38, 1-based): chr15:66,780,999, G>A. VCF-style: chr15-66780999-G-A. GRCh37 (hg19) VCF-style: chr15-67073337-G-A.
Other names: short protein forms A319T.
Identifiers: ClinVar variation 1710566 (VCV001710566.2), dbSNP rs1343234193, ClinGen allele CA393201546.